The following is an entry in ClinVar:

NM_024675.4(PALB2):c.49-2del

Gene: PALB2 (partner and localizer of BRCA2; minus strand). Cytogenetic location: 16p12.2.
Variant type: Deletion.
Coding change: c.49-2del on transcript NM_024675.4 (MANE Select); the canonical splice acceptor site of the intron before coding-DNA position 49, one base deleted (A; older notation c.49-2delA).
Molecular consequence: splice acceptor variant. On other transcripts: intron variant (4).
Genome position (GRCh38, 1-based): chr16:23,638,131, T deleted on the plus strand (A on the coding strand, the reverse complement: PALB2 is on the minus strand). VCF-style (leftmost placement, unchanged base first): chr16-23638130-CT-C. GRCh37 (hg19) VCF-style: chr16-23649451-CT-C.
Other names: c.-837-2del (NM_001407308.1, NM_001407306.1, NM_001407307.1 and 5 more transcripts); c.48+2979del (NM_001407314.1); c.-105+2979del (NM_001407313.1, NM_001407312.1); c.49-179del (NM_001407296.1); c.49-2del (NM_001407297.1, NM_001407302.1, NM_001407298.1 and 3 more transcripts); c.49-2delA (NM_024675.3).
Identifiers: ClinVar variation 641037 (VCV000641037.13), dbSNP rs1597101949, ClinGen allele CA915949146.

ClinVar aggregate classification (germline): Uncertain significance. Review status: criteria provided, multiple submitters, no conflicts (2 of 4 stars). 2 submissions from 2 submitters: Uncertain significance (2). Last evaluated 2025-05-18.

Conditions:
Hereditary cancer-predisposing syndrome. Also called: Neoplastic Syndromes, Hereditary; Tumor predisposition; Hereditary Cancer Syndrome; Hereditary neoplastic syndrome. Identifiers: Orphanet 140162, MedGen C0027672, MeSH D009386, MONDO:0015356.
Familial cancer of breast. Also called: BREAST CANCER, FAMILIAL; hereditary breast carcinoma; Hereditary breast cancer. Identifiers: Orphanet 227535, MedGen C0346153, MONDO:0016419, OMIM 114480. Disease mechanism: loss of function.

Allele frequency attached by ClinVar (database versions not stated): gnomAD exomes below 0.00001.

Submissions (2):

Ambry Genetics
Classification: Uncertain significance for Hereditary cancer-predisposing syndrome. Last evaluated: 2025-05-18. Review status: criteria provided, single submitter. Criteria: Ambry Variant Classification Scheme 2023. Collection method: clinical testing. Allele origin: germline.
Comment: The c.49-2delA intronic variant, located in intron 1 of the PALB2 gene, results from a deletion of one nucleotide within intron 1 of the PALB2 gene. This nucleotide position is highly conserved in available vertebrate species. Alterations that disrupt the canonical splice site are expected to result in aberrant splicing. In silico splice site analysis predicts that this alteration will weaken the native splice acceptor site and will result in the creation or strengthening of a novel splice acceptor site. A resulting transcript is predicted to be in-frame and is not expected to trigger nonsense-mediated mRNAdecay; however, direct evidence is insufficient at this time (Ambry internal data). Based on the available evidence, the clinical significance of this variant remains unclear.

Labcorp Genetics (formerly Invitae), Labcorp
Classification: Uncertain significance for Familial cancer of breast. Last evaluated: 2019-08-16. Review status: criteria provided, single submitter. Criteria: Invitae Variant Classification Sherloc (09022015). Collection method: clinical testing. Allele origin: germline.
Comment: Experimental studies have shown that sequence changes at this splice site disrupt the consensus splice site and strengthen a cryptic acceptor site in exon 2, located 6 nucleotides downstream of the natural splice site. This results in an alternative transcript with an in-frame deletion of 2 amino acids, which does not affect known functional domains and/or critical residues (PMID: 30890586). Also, this alternative transcript has been shown to occur naturally in healthy individuals (PMID: 30890586). These studies suggest that the clinical significance of this splice variant may be uncertain. This sequence change affects an acceptor splice site in intron 1 of the PALB2 gene. It is expected to disrupt RNA splicing and likely results in an absent or disrupted protein product. This variant is not present in population databases (ExAC no frequency). This variant has not been reported in the literature in individuals with PALB2-related conditions. In summary, the available evidence is currently insufficient to determine the role of this variant in disease. Therefore, it has been classified as a Variant of Uncertain Significance.

Literature cited by the submitters: PubMed 30890586 (cited by Labcorp Genetics (formerly Invitae), Labcorp).